The following is an entry in ClinVar:

NM_001903.5(CTNNA1):c.348C>G (p.Cys116Trp)

Gene: CTNNA1 (catenin alpha 1; plus strand). Cytogenetic location: 5q31.2.
Variant type: single nucleotide variant.
Coding change: c.348C>G on transcript NM_001903.5 (MANE Select); coding-DNA position 348, C replaced by G.
Protein change: p.Cys116Trp; replaces cysteine 116 with tryptophan.
Molecular consequence: missense variant. On other transcripts: intron variant (1).
Genome position (GRCh38, 1-based): chr5:138,810,084, C>G. VCF-style: chr5-138810084-C-G. GRCh37 (hg19) VCF-style: chr5-138145773-C-G.
Other names: c.348C>G, p.Cys116Trp (NM_001290307.3, NM_001323982.2, NM_001323983.1 and 3 more transcripts); c.39C>G, p.Cys13Trp (NM_001290309.3); c.-5-17C>G (NM_001290310.3); short protein forms C116W, C13W.
Identifiers: ClinVar variation 823832 (VCV000823832.15), dbSNP rs1455080825, ClinGen allele CA361122963.

ClinVar aggregate classification (germline): Uncertain significance. Review status: criteria provided, multiple submitters, no conflicts (2 of 4 stars). 3 submissions from 3 submitters: Uncertain significance (3). Last evaluated 2025-09-04.

Conditions:
Hereditary cancer-predisposing syndrome. Also called: Hereditary Cancer Syndrome; Neoplastic Syndromes, Hereditary; Tumor predisposition; Hereditary neoplastic syndrome. Identifiers: Orphanet 140162, MedGen C0027672, MeSH D009386, MONDO:0015356.
Patterned macular dystrophy 2. Identifiers: Orphanet 99001, MedGen C1837029, MONDO:0012162, OMIM 608970.

Allele frequency attached by ClinVar (database versions not stated): gnomAD 0.00001; TOPMed 0.00001.
gnomAD v4.1: 1 of 1,614,002 alleles (0.000062%); highest among the groups gnomAD compares: African/African-American, 0.0013%; no homozygotes.

Submissions (3):

Dasa
Classification: Uncertain significance for Patterned macular dystrophy 2. Last evaluated: 2025-09-04. Review status: criteria provided, single submitter. Criteria: DASA Assertion Criteria. Collection method: clinical testing. Allele origin: germline.
Comment: NM_001903.5(CTNNA1):c.348C>G (p.Cys116Trp) is a missense variant that results in the substitution of cysteine with tryptophan. This variant is rare in population databases. The currently available literature and clinical evidence are not sufficient to establish a definitive association between this variant and the reported condition. Therefore, this variant is classified as a variant of uncertain significance.

Labcorp Genetics (formerly Invitae), Labcorp
Classification: Uncertain significance. Last evaluated: 2025-01-27. Review status: criteria provided, single submitter. Criteria: Invitae Variant Classification Sherloc (09022015). Collection method: clinical testing. Allele origin: germline.
Comment: This sequence change replaces cysteine, which is neutral and slightly polar, with tryptophan, which is neutral and slightly polar, at codon 116 of the CTNNA1 protein (p.Cys116Trp). This variant is not present in population databases (gnomAD no frequency). This variant has not been reported in the literature in individuals affected with CTNNA1-related conditions. ClinVar contains an entry for this variant (Variation ID: 823832). Invitae Evidence Modeling of protein sequence and biophysical properties (such as structural, functional, and spatial information, amino acid conservation, physicochemical variation, residue mobility, and thermodynamic stability) indicates that this missense variant is expected to disrupt CTNNA1 protein function with a positive predictive value of 80%. In summary, the available evidence is currently insufficient to determine the role of this variant in disease. Therefore, it has been classified as a Variant of Uncertain Significance.

Ambry Genetics
Classification: Uncertain significance for Hereditary cancer-predisposing syndrome. Last evaluated: 2024-11-25. Review status: criteria provided, single submitter. Criteria: Ambry Variant Classification Scheme 2023. Collection method: clinical testing. Allele origin: germline.
Comment: The p.C116W variant (also known as c.348C>G), located in coding exon 3 of the CTNNA1 gene, results from a C to G substitution at nucleotide position 348. The cysteine at codon 116 is replaced by tryptophan, an amino acid with highly dissimilar properties. This amino acid position is highly conserved in available vertebrate species. In addition, the in silico prediction for this alteration is inconclusive. The evidence for this gene-disease relationship is limited; therefore, the clinical significance of this alteration is unclear.